The following is an entry in ClinVar:

ClinVar aggregate classification (germline): Uncertain significance (1 of 4 stars; one submission).

Submission:

GeneDx
Classification: Uncertain significance. Last evaluated: 2023-06-09. Review status: criteria provided, single submitter. Criteria: GeneDx Variant Classification Process June 2021. Collection method: clinical testing. Allele origin: germline. Affected: yes.
Comment: Not observed at significant frequency in large population cohorts (gnomAD); In silico analysis supports that this missense variant does not alter protein structure/function; Has not been previously published as pathogenic or benign to our knowledge

NM_004370.6(COL12A1):c.8966G>A (p.Arg2989Lys)

Gene: COL12A1 (collagen type XII alpha 1 chain; minus strand). Cytogenetic location: 6q13.
Variant type: single nucleotide variant.
Coding change: c.8966G>A on transcript NM_004370.6 (MANE Select); coding-DNA position 8966, G replaced by A.
Protein change: p.Arg2989Lys; replaces arginine 2989 with lysine.
Molecular consequence: missense variant.
Genome position (GRCh38, 1-based): chr6:75,089,150, C>T on the plus strand (G>A on the coding strand, the complement: COL12A1 is on the minus strand). VCF-style: chr6-75089150-C-T. GRCh37 (hg19) VCF-style: chr6-75798866-C-T.
Other names: c.8966G>A, p.Arg2989Lys (NM_001424113.1); c.8945G>A, p.Arg2982Lys (NM_001424114.1); c.8693G>A, p.Arg2898Lys (NM_001424115.1); c.5474G>A, p.Arg1825Lys (NM_001424116.1, NM_080645.3); short protein forms R1825K, R2898K, R2982K, R2989K.
Identifiers: ClinVar variation 3362140 (VCV003362140.1).